The following is an entry in ClinVar:

NM_173598.6(KSR2):c.1087C>A (p.Arg363Ser)

Gene: KSR2 (kinase suppressor of ras 2; minus strand). Cytogenetic location: 12q24.22.
Variant type: single nucleotide variant.
Coding change: c.1087C>A on transcript NM_173598.6 (MANE Select); coding-DNA position 1087, C replaced by A.
Protein change: p.Arg363Ser; replaces arginine 363 with serine.
Molecular consequence: missense variant.
Genome position (GRCh38, 1-based): chr12:117,667,558, G>T on the plus strand (C>A on the coding strand, the complement: KSR2 is on the minus strand). VCF-style: chr12-117667558-G-T. GRCh37 (hg19) VCF-style: chr12-118105363-G-T.
Other names: short protein forms R363S.
Identifiers: ClinVar variation 2236374 (VCV002236374.3), dbSNP rs375751976, ClinGen allele CA245067470.
Genomic context (GRCh38, chr12:117,667,558, plus strand): 5'-GAACAGGAGGGGTGGAAGGCAGGAAAGGTGCGTGTCCCACAAAGAAGGAGCGGAGGGAGC[G>T]CTCGGACAGCAGCGGGGAGCGCTGCTGAGAGGGGATGTTCTCGCAGCTGCCTACGCTGCT-3'
Protein context (NP_775869.4, residues 353-373): SQQRSPLLSE[Arg363Ser]SLRSFFVGHA

ClinVar aggregate classification (germline): Uncertain significance. Review status: criteria provided, multiple submitters, no conflicts (2 of 4 stars). 2 submissions from 2 submitters: Uncertain significance (2). Last evaluated 2024-10-03.

Conditions:
KSR2-related disorder. Also called: KSR2-related condition.

Allele frequency attached by ClinVar (database versions not stated): ESP Exome Variant Server 0.00008.
gnomAD v4.1: 6 of 1,612,984 alleles (0.00037%); highest among the groups gnomAD compares: African/African-American, 0.008%; no homozygotes.

Submissions (2):

PreventionGenetics, part of Exact Sciences
Classification: Uncertain significance for KSR2-related condition. Last evaluated: 2024-10-03. Review status: criteria provided, single submitter. Criteria: ACMG Guidelines, 2015. Collection method: clinical testing. Allele origin: germline.
Comment: The KSR2 c.1000C>A variant is predicted to result in the amino acid substitution p.Arg334Ser. To our knowledge, this variant has not been reported in the literature. This variant is reported in 0.013% of alleles in individuals of African descent in gnomAD. At this time, the clinical significance of this variant is uncertain due to the absence of conclusive functional and genetic evidence.

Ambry Genetics
Classification: Uncertain significance. Last evaluated: 2021-07-13. Review status: criteria provided, single submitter. Criteria: Ambry Variant Classification Scheme 2023. Collection method: clinical testing. Allele origin: germline.